The following is an entry in ClinVar:

NM_001184.4(ATR):c.1813G>A (p.Asp605Asn)

Gene: ATR (ATR checkpoint kinase; minus strand). Cytogenetic location: 3q23.
Variant type: single nucleotide variant.
Coding change: c.1813G>A on transcript NM_001184.4 (MANE Select); coding-DNA position 1813, G replaced by A.
Protein change: p.Asp605Asn; replaces aspartic acid 605 with asparagine.
Molecular consequence: missense variant.
Genome position (GRCh38, 1-based): chr3:142,558,696, C>T on the plus strand (G>A on the coding strand, the complement: ATR is on the minus strand). VCF-style: chr3-142558696-C-T. GRCh37 (hg19) VCF-style: chr3-142277538-C-T.
Other names: c.1621G>A, p.Asp541Asn (NM_001354579.2); short protein forms D541N, D605N.
Identifiers: ClinVar variation 2496604 (VCV002496604.2), dbSNP rs757421399, ClinGen allele CA2650510.

ClinVar aggregate classification (germline): Uncertain significance (1 of 4 stars; one submission).

Conditions:
Inborn genetic diseases. Identifiers: MedGen C0950123, MeSH D030342.

Allele frequency attached by ClinVar (database versions not stated): TOPMed below 0.00001; ExAC 0.00001.
gnomAD v4.1: 1 of 1,612,856 alleles (0.000062%); highest among the groups gnomAD compares: East Asian, 0.0022%; no homozygotes.

Submission:

Ambry Genetics
Classification: Uncertain significance for Inborn genetic diseases. Last evaluated: 2022-12-05. Review status: criteria provided, single submitter. Criteria: Ambry Variant Classification Scheme 2023. Collection method: clinical testing. Allele origin: germline.
Comment: The p.D605N variant (also known as c.1813G>A), located in coding exon 8 of the ATR gene, results from a G to A substitution at nucleotide position 1813. The aspartic acid at codon 605 is replaced by asparagine, an amino acid with highly similar properties. This amino acid position is conserved. In addition, this alteration is predicted to be tolerated by in silico analysis. Since supporting evidence is limited at this time, the clinical significance of this alteration remains unclear.